The following is an entry in ClinVar:

ClinVar aggregate classification (germline): Uncertain significance (1 of 4 stars; one submission).

Allele frequency attached by ClinVar (database versions not stated): TOPMed below 0.00001.

Submission:

Labcorp Genetics (formerly Invitae), Labcorp
Classification: Uncertain significance. Last evaluated: 2021-10-15. Review status: criteria provided, single submitter. Criteria: Invitae Variant Classification Sherloc (09022015). Collection method: clinical testing. Allele origin: germline.
Comment: In summary, the available evidence is currently insufficient to determine the role of this variant in disease. Therefore, it has been classified as a Variant of Uncertain Significance. Algorithms developed to predict the effect of missense changes on protein structure and function (SIFT, PolyPhen-2, Align-GVGD) all suggest that this variant is likely to be tolerated. This variant has not been reported in the literature in individuals affected with RUSC2-related conditions. This variant is not present in population databases (ExAC no frequency). This sequence change replaces threonine with isoleucine at codon 465 of the RUSC2 protein (p.Thr465Ile). The threonine residue is weakly conserved and there is a moderate physicochemical difference between threonine and isoleucine.

NM_014806.5(RUSC2):c.1394C>T (p.Thr465Ile)

Gene: RUSC2 (RUN and SH3 domain containing 2; plus strand). Cytogenetic location: 9p13.3.
Variant type: single nucleotide variant.
Coding change: c.1394C>T on transcript NM_014806.5 (MANE Select); coding-DNA position 1394, C replaced by T.
Protein change: p.Thr465Ile; replaces threonine 465 with isoleucine.
Molecular consequence: missense variant. On other transcripts: non-coding transcript variant (1), intron variant (1).
Genome position (GRCh38, 1-based): chr9:35,547,915, C>T. VCF-style: chr9-35547915-C-T. GRCh37 (hg19) VCF-style: chr9-35547912-C-T.
Other names: c.1394C>T, p.Thr465Ile (NM_001135999.2); c.-620-7145C>T (NM_001330740.2); short protein forms T465I.
Identifiers: ClinVar variation 1370750 (VCV001370750.4), dbSNP rs1821795855, ClinGen allele CA373332918.